The following is an entry in ClinVar:

NM_024675.4(PALB2):c.1940A>T (p.His647Leu)

Gene: PALB2 (partner and localizer of BRCA2; minus strand). Cytogenetic location: 16p12.2.
Variant type: single nucleotide variant.
Coding change: c.1940A>T on transcript NM_024675.4 (MANE Select); coding-DNA position 1940, A replaced by T.
Protein change: p.His647Leu; replaces histidine 647 with leucine.
Molecular consequence: missense variant.
Genome position (GRCh38, 1-based): chr16:23,630,214, T>A on the plus strand (A>T on the coding strand, the complement: PALB2 is on the minus strand). VCF-style: chr16-23630214-T-A. GRCh37 (hg19) VCF-style: chr16-23641535-T-A.
Other names: short protein forms H647L.
Identifiers: ClinVar variation 492174 (VCV000492174.19), dbSNP rs1055533509, ClinGen allele CA395127436.

ClinVar aggregate classification (germline): Conflicting classifications of pathogenicity. Review status: criteria provided, conflicting classifications (1 of 4 stars). 5 submissions from 5 submitters: Uncertain significance (4); Likely benign (1). Last evaluated 2026-06-22.

Conditions:
Hereditary cancer-predisposing syndrome. Also called: Neoplastic Syndromes, Hereditary; Hereditary Cancer Syndrome; Hereditary neoplastic syndrome; Tumor predisposition. Identifiers: Orphanet 140162, MedGen C0027672, MeSH D009386, MONDO:0015356.
Familial cancer of breast. Also called: Hereditary breast cancer; hereditary breast carcinoma; BREAST CANCER, FAMILIAL. Identifiers: Orphanet 227535, MedGen C0346153, MONDO:0016419, OMIM 114480. Disease mechanism: loss of function.

Allele frequency attached by ClinVar (database versions not stated): gnomAD exomes below 0.00001.
gnomAD v4.1: 1 of 1,614,172 alleles (0.000062%); highest among the groups gnomAD compares: Admixed American, 0.0017%; no homozygotes.

Submissions (5):

Women's Health and Genetics/Laboratory Corporation of America, LabCorp
Classification: Uncertain significance. Last evaluated: 2026-06-22. Review status: criteria provided, single submitter. Criteria: LabCorp Variant Classification Summary - May 2015. Collection method: clinical testing. Allele origin: germline.
Comment: Variant summary: PALB2 c.1940A>T (p.His647Leu) results in a non-conservative amino acid change in the encoded protein sequence. Algorithms developed to predict the effect of missense changes on protein structure and function are either unavailable or do not agree on the potential impact of this missense change. The variant was absent in 250836 control chromosomes. The available data on variant occurrences in the general population are insufficient to allow any conclusion about variant significance. c.1940A>T has been observed in individual(s) affected with breast cancer or ovarian cancer (Ren_2021, Adamson_2023). These report(s) do not provide unequivocal conclusions about association of the variant with disease. To our knowledge, no experimental evidence demonstrating an impact on protein function has been reported. The following publications have been ascertained in the context of this evaluation (PMID: 34196900, 37460928). ClinVar contains an entry for this variant (Variation ID: 492174). Based on the evidence outlined above, the variant was classified as uncertain significance.

Labcorp Genetics (formerly Invitae), Labcorp
Classification: Uncertain significance for Familial cancer of breast. Last evaluated: 2025-07-24. Review status: criteria provided, single submitter. Criteria: Invitae Variant Classification Sherloc (09022015). Collection method: clinical testing. Allele origin: germline.
Comment: This sequence change replaces histidine, which is basic and polar, with leucine, which is neutral and non-polar, at codon 647 of the PALB2 protein (p.His647Leu). This variant is not present in population databases (gnomAD no frequency). This missense change has been observed in individual(s) with breast cancer and/or ovarian cancer (PMID: 34196900, 37460928). ClinVar contains an entry for this variant (Variation ID: 492174). Invitae Evidence Modeling of protein sequence and biophysical properties (such as structural, functional, and spatial information, amino acid conservation, physicochemical variation, residue mobility, and thermodynamic stability) indicates that this missense variant is not expected to disrupt PALB2 protein function with a negative predictive value of 80%. In summary, the available evidence is currently insufficient to determine the role of this variant in disease. Therefore, it has been classified as a Variant of Uncertain Significance.

Ambry Genetics
Classification: Likely benign for Hereditary cancer-predisposing syndrome. Last evaluated: 2023-12-29. Review status: criteria provided, single submitter. Criteria: Ambry Variant Classification Scheme 2023. Collection method: clinical testing. Allele origin: germline.

GeneDx
Classification: Uncertain significance. Last evaluated: 2019-08-29. Review status: criteria provided, single submitter. Criteria: GeneDx Variant Classification Process June 2021. Collection method: clinical testing. Allele origin: germline. Affected: yes.
Comment: Not observed in large population cohorts (Lek et al., 2016); In silico analysis, which includes protein predictors and evolutionary conservation, supports that this variant does not alter protein structure/function; Has not been previously published as pathogenic or benign to our knowledge

Color Diagnostics, LLC DBA Color Health
Classification: Uncertain significance for Hereditary cancer-predisposing syndrome. Last evaluated: 2018-11-16. Review status: criteria provided, single submitter. Criteria: ACMG Guidelines, 2015. Collection method: clinical testing. Allele origin: germline.

Literature cited by the submitters: PubMed 34196900 (cited by Women's Health and Genetics/Laboratory Corporation of America, LabCorp and Labcorp Genetics (formerly Invitae), Labcorp); PubMed 37460928 (cited by Women's Health and Genetics/Laboratory Corporation of America, LabCorp and Labcorp Genetics (formerly Invitae), Labcorp).